The following is an entry in ClinVar:

NM_000789.4(ACE):c.2062C>T (p.Gln688Ter)

Gene: ACE (angiotensin I converting enzyme; plus strand). Cytogenetic location: 17q23.3.
Variant type: single nucleotide variant.
Coding change: c.2062C>T on transcript NM_000789.4 (MANE Select); coding-DNA position 2062, C replaced by T.
Protein change: p.Gln688Ter; replaces glutamine 688 with a stop codon.
Molecular consequence: nonsense. On other transcripts: 5 prime UTR variant (1), non-coding transcript variant (1).
Genome position (GRCh38, 1-based): chr17:63,486,560, C>T. VCF-style: chr17-63486560-C-T. GRCh37 (hg19) VCF-style: chr17-61563921-C-T.
Other names: c.340C>T, p.Gln114Ter (NM_001178057.2, NM_152830.3); c.1495C>T, p.Gln499Ter (NM_001382700.1); c.1210C>T, p.Gln404Ter (NM_001382701.1); c.-9C>T (NM_001382702.1); short protein forms Q114*, Q404*, Q499*, Q688*.
Identifiers: ClinVar variation 3391254 (VCV003391254.1).

ClinVar aggregate classification (germline): Likely pathogenic (1 of 4 stars; one submission).

Conditions:
Renal tubular dysgenesis of genetic origin. Also called: PRIMITIVE RENAL TUBULE SYNDROME. Identifiers: Orphanet 97369, MedGen C5681536, MONDO:0009970, OMIM 267430.

Submission:

Neuberg Centre For Genomic Medicine, NCGM
Classification: Likely pathogenic for Renal tubular dysgenesis of genetic origin. Last evaluated: 2023-07-22. Review status: criteria provided, single submitter. Criteria: ACMG Guidelines, 2015. Collection method: clinical testing. Allele origin: germline. Inheritance: Autosomal recessive inheritance. Affected: yes.
Comment: The observed stop gain variant has not been reported previously as a pathogenic variant nor as a benign variant, to our knowledge. The c.2062C>T variant is absent in gnomAD Exomes database. This variant has not been submitted to the ClinVar database. Computational evidence MutationTaster - Disease causing predict damaging effect on protein structure and function for this variant. This variant is predicted to cause loss of normal protein function through protein truncation. Loss of function variants have been previously reported to be disease causing Viering, D.H.H.M., et al., 2021. Functional studies are required to prove pathogenicity of the variant. For these reasons, this variant has been classified as Likely Pathogenic.